The following is an entry in ClinVar:

ClinVar aggregate classification (germline): Likely benign. Review status: criteria provided, single submitter (1 of 4 stars). 2 submissions from 2 submitters: Likely benign (1). 1 of the submissions does not count toward it. Last evaluated 2025-03-11.

Conditions:
PNPLA2-related disorder. Also called: PNPLA2-related condition.
Neutral lipid storage myopathy (NLSDM). Also called: NEUTRAL LIPID STORAGE DISEASE WITHOUT ICHTHYOSIS. Identifiers: Orphanet 98908, MedGen C1853136, MONDO:0012545, OMIM 610717.

Allele frequency attached by ClinVar (database versions not stated): gnomAD 0.00004 and 0.00005.

Submissions (2):

Labcorp Genetics (formerly Invitae), Labcorp
Classification: Likely benign for Neutral lipid storage myopathy. Last evaluated: 2025-03-11. Review status: criteria provided, single submitter. Criteria: Invitae Variant Classification Sherloc (09022015). Collection method: clinical testing. Allele origin: germline.

PreventionGenetics, part of Exact Sciences
Classification: Likely benign for PNPLA2-related condition. Last evaluated: 2023-08-16. Review status: no assertion criteria provided. Collection method: clinical testing. Allele origin: germline. Not counted in ClinVar's aggregate classification.
Comment: This variant is classified as likely benign based on ACMG/AMP sequence variant interpretation guidelines (Richards et al. 2015 PMID: 25741868, with internal and published modifications).

NM_020376.4(PNPLA2):c.516C>T (p.Asn172=)

Gene: PNPLA2 (patatin like domain 2, triacylglycerol lipase; plus strand). Cytogenetic location: 11p15.5.
Variant type: single nucleotide variant.
Coding change: c.516C>T on transcript NM_020376.4 (MANE Select); coding-DNA position 516, C replaced by T.
Protein change: p.Asn172=; no amino-acid change (asparagine 172 retained).
Molecular consequence: synonymous variant.
Genome position (GRCh38, 1-based): chr11:822,426, C>T. VCF-style: chr11-822426-C-T. GRCh37 (hg19) VCF-style: chr11-822426-C-T.
Other names: c.516C>T (NM_020376.3).
Identifiers: ClinVar variation 1568409 (VCV001568409.10), dbSNP rs1015906173, ClinGen allele CA216969230.
Genomic context (GRCh38, chr11:822,426, plus strand): 5'-CATACGGTCCTGTCTGTGTGTCCCGTGGAAGCGCTACGTGGATGGTGGCATTTCAGACAA[C>T]CTGCCACTCTATGAGCTTAAGAACACCATCACAGTGTCCCCCTTCTCGGGCGAGAGTGAC-3'
Protein context (NP_065109.1, residues 162-182): VRYVDGGISD[Asn172=]LPLYELKNTI